The following is an entry in ClinVar:

NM_000517.6(HBA2):c.150C>A (p.Ser50Arg)

Genes: HBA1 (hemoglobin subunit alpha 1; plus strand), HBA2 (hemoglobin subunit alpha 2; plus strand), LOC106804612 (hemoglobin subunit alpha 2 recombination region; plus strand). Cytogenetic location: 16p13.3.
Variant type: single nucleotide variant.
Coding change: c.150C>A on transcript NM_000517.6 (MANE Select); coding-DNA position 150, C replaced by A.
Protein change: p.Ser50Arg; replaces serine 50 with arginine.
Molecular consequence: missense variant.
Genome position (GRCh38, 1-based): chr16:173,179, C>A. VCF-style: chr16-173179-C-A. GRCh37 (hg19) VCF-style: chr16-223178-C-A.
Other names: S49R; short protein forms S50R.
Identifiers: ClinVar variation 15808 (VCV000015808.4), dbSNP rs41518249, ClinGen allele CA276414659.

ClinVar aggregate classification (germline): Conflicting classifications of pathogenicity. Review status: criteria provided, conflicting classifications (1 of 4 stars). 3 submissions from 3 submitters: Uncertain significance (1); Likely benign (1). 1 of the submissions does not count toward it. Last evaluated 2025-07-11.

Conditions:
HEMOGLOBIN SAVARIA.

Submissions (3):

ARUP Laboratories, Molecular Genetics and Genomics, ARUP Laboratories
Classification: Likely benign. Last evaluated: 2025-07-11. Review status: criteria provided, single submitter. Criteria: ARUP Molecular Germline Variant Investigation Process 2024. Collection method: clinical testing. Allele origin: germline.
Comment: The Hb Savaria variant (HBA2: c.150C>A; p.Ser50Arg, also known as Ser49Arg when numbered from the mature protein, rs41518249, HbVar ID: 70) in multiple individuals with no hematological abnormalities (see HbVar and references therein, Tran Houangkeo2016). This variant was found to have normal stability and oxygen affinity. This variant is absent from the Genome Aggregation Database (v2.1.1), indicating it is not a common polymorphism. Based on available information, this variant is considered to be likely benign. References: Link to HbVar database: Tran Houangkeo TH et al. Hb Savaria [a49(CE7)Ser?Arg; HBA2: c.150C?>?A]: A New Case and Complete Description. Hemoglobin. 2016 Aug;40(4):267-9. PMID: 27221333.

Quest Diagnostics Nichols Institute San Juan Capistrano
Classification: Uncertain significance. Last evaluated: 2022-05-19. Review status: criteria provided, single submitter. Criteria: Quest Diagnostics criteria. Collection method: clinical testing. Allele origin: unknown.

OMIM
Classification: other for HEMOGLOBIN SAVARIA. Last evaluated: 2016-07-20. Review status: no assertion criteria provided. Collection method: literature only. Allele origin: germline. Not counted in ClinVar's aggregate classification.

Literature cited by the submitters: PubMed 3937826 (cited by Quest Diagnostics Nichols Institute San Juan Capistrano and OMIM); PubMed 3937825 (cited by Quest Diagnostics Nichols Institute San Juan Capistrano and OMIM); PubMed 3839775 (cited by Quest Diagnostics Nichols Institute San Juan Capistrano and OMIM); PubMed 7353957 (cited by Quest Diagnostics Nichols Institute San Juan Capistrano and OMIM); PubMed 30809867 (cited by Quest Diagnostics Nichols Institute San Juan Capistrano); PubMed 32597250 (cited by Quest Diagnostics Nichols Institute San Juan Capistrano); PubMed 27221333 (cited by Quest Diagnostics Nichols Institute San Juan Capistrano); PubMed 24200101 (cited by Quest Diagnostics Nichols Institute San Juan Capistrano); PubMed 30830998 (cited by Quest Diagnostics Nichols Institute San Juan Capistrano); PubMed 17973182 (cited by Quest Diagnostics Nichols Institute San Juan Capistrano); PubMed 29627922 (cited by Quest Diagnostics Nichols Institute San Juan Capistrano).